The following is an entry in ClinVar:

ClinVar aggregate classification (germline): Conflicting classifications of pathogenicity. Review status: criteria provided, conflicting classifications (1 of 4 stars). 2 submissions from 2 submitters: Uncertain significance (1); Likely benign (1). Last evaluated 2025-10-10.

Conditions:
Familial hypobetalipoproteinemia 1. Also called: APOB-Related Familial Hypobetalipoproteinemia; Hypobetalipoproteinemia, normotriglyceridemic; Acanthocytosis with hypobetalipoproteinemia. Identifiers: MedGen C4551990, MONDO:0014252, OMIM 615558.
Hypercholesterolemia, autosomal dominant, type B (FHCL2). Also called: Hyperlipoproteinemia Type IIb; Familial hypercholesterolemia 2; Familial Hypercholesterolemia Type B; APOLIPOPROTEIN B-100, FAMILIAL DEFECTIVE; APOLIPOPROTEIN B-100, FAMILIAL LIGAND-DEFECTIVE; HYPERCHOLESTEROLEMIA, FAMILIAL, DUE TO LIGAND-DEFECTIVE APOLIPOPROTEIN B. Identifiers: MedGen C1704417, MONDO:0007751, OMIM 144010.
Cardiovascular phenotype. Identifiers: MedGen CN230736.

Allele frequency attached by ClinVar (database versions not stated): TOPMed below 0.00001; ExAC 0.00001; gnomAD exomes below 0.00001.
gnomAD v4.1: 2 of 1,602,066 alleles (0.00012%); highest among the groups gnomAD compares: Admixed American, 0.0034%; no homozygotes.

Submissions (2):

Labcorp Genetics (formerly Invitae), Labcorp
Classification: Likely benign for Familial hypobetalipoproteinemia 1; Hypercholesterolemia, autosomal dominant, type B. Last evaluated: 2025-10-10. Review status: criteria provided, single submitter. Criteria: Invitae Variant Classification Sherloc (09022015). Collection method: clinical testing. Allele origin: germline.

Ambry Genetics
Classification: Uncertain significance for Cardiovascular phenotype. Last evaluated: 2025-04-05. Review status: criteria provided, single submitter. Criteria: Ambry Variant Classification Scheme 2023. Collection method: clinical testing. Allele origin: germline.
Comment: The p.Y2149N variant (also known as c.6445T>A), located in coding exon 26 of the APOB gene, results from a T to A substitution at nucleotide position 6445. The tyrosine at codon 2149 is replaced by asparagine, an amino acid with dissimilar properties. This amino acid position is conserved. In addition, this alteration is predicted to be tolerated by in silico analysis. Since supporting evidence is limited at this time, the clinical significance of this alteration remains unclear.

NM_000384.3(APOB):c.6445T>A (p.Tyr2149Asn)

Gene: APOB (apolipoprotein B; minus strand). Cytogenetic location: 2p24.1.
Variant type: single nucleotide variant.
Coding change: c.6445T>A on transcript NM_000384.3 (MANE Select); coding-DNA position 6445, T replaced by A.
Protein change: p.Tyr2149Asn; replaces tyrosine 2149 with asparagine.
Molecular consequence: missense variant.
Genome position (GRCh38, 1-based): chr2:21,010,423, A>T on the plus strand (T>A on the coding strand, the complement: APOB is on the minus strand). VCF-style: chr2-21010423-A-T. GRCh37 (hg19) VCF-style: chr2-21233295-A-T.
Other names: short protein forms Y2149N.
Identifiers: ClinVar variation 1753569 (VCV001753569.4), dbSNP rs778157137, ClinGen allele CA063187.